The following is an entry in ClinVar:

NM_006767.4(LZTR1):c.1526T>G (p.Leu509Arg)

Gene: LZTR1 (leucine zipper like post translational regulator 1; plus strand). Cytogenetic location: 22q11.21.
Variant type: single nucleotide variant.
Coding change: c.1526T>G on transcript NM_006767.4 (MANE Select); coding-DNA position 1526, T replaced by G.
Protein change: p.Leu509Arg; replaces leucine 509 with arginine.
Molecular consequence: missense variant.
Genome position (GRCh38, 1-based): chr22:20,994,180, T>G. VCF-style: chr22-20994180-T-G. GRCh37 (hg19) VCF-style: chr22-21348469-T-G.
Other names: short protein forms L509R.
Identifiers: ClinVar variation 1774533 (VCV001774533.7), dbSNP rs2518620924, ClinGen allele CA410775732.

ClinVar aggregate classification (germline): Uncertain significance. Review status: criteria provided, multiple submitters, no conflicts (2 of 4 stars). 2 submissions from 2 submitters: Uncertain significance (2). Last evaluated 2023-11-17.

Conditions:
Cardiovascular phenotype. Identifiers: MedGen CN230736.
Hereditary cancer-predisposing syndrome. Also called: Hereditary Cancer Syndrome; Hereditary neoplastic syndrome; Neoplastic Syndromes, Hereditary; Tumor predisposition. Identifiers: Orphanet 140162, MedGen C0027672, MeSH D009386, MONDO:0015356.

Submissions (2):

Ambry Genetics
Classification: Uncertain significance for Cardiovascular phenotype; Hereditary cancer-predisposing syndrome. Last evaluated: 2023-11-17. Review status: criteria provided, single submitter. Criteria: Ambry Variant Classification Scheme 2023. Collection method: clinical testing. Allele origin: germline.
Comment: The p.L509R variant (also known as c.1526T>G), located in coding exon 14 of the LZTR1 gene, results from a T to G substitution at nucleotide position 1526. The leucine at codon 509 is replaced by arginine, an amino acid with dissimilar properties. This amino acid position is highly conserved in available vertebrate species. In addition, this alteration is predicted to be deleterious by in silico analysis. Since supporting evidence is limited at this time, the clinical significance of this alteration remains unclear.

Labcorp Genetics (formerly Invitae), Labcorp
Classification: Uncertain significance. Last evaluated: 2022-06-22. Review status: criteria provided, single submitter. Criteria: Invitae Variant Classification Sherloc (09022015). Collection method: clinical testing. Allele origin: germline.
Comment: This variant has not been reported in the literature in individuals affected with LZTR1-related conditions. This variant is not present in population databases (gnomAD no frequency). This sequence change replaces leucine, which is neutral and non-polar, with arginine, which is basic and polar, at codon 509 of the LZTR1 protein (p.Leu509Arg). Algorithms developed to predict the effect of missense changes on protein structure and function are either unavailable or do not agree on the potential impact of this missense change (SIFT: "Deleterious"; PolyPhen-2: "Probably Damaging"; Align-GVGD: "Class C0"). In summary, the available evidence is currently insufficient to determine the role of this variant in disease. Therefore, it has been classified as a Variant of Uncertain Significance.